The following is an entry in ClinVar:

ClinVar aggregate classification (germline): Likely pathogenic (1 of 4 stars; one submission).

Conditions:
Neurodevelopmental disorder with microcephaly, impaired language, and gait abnormalities. Identifiers: MedGen C5436783, MONDO:0100348, OMIM 619091.

gnomAD v4.1: 7 of 1,613,162 alleles (0.00043%); highest among the groups gnomAD compares: Non-Finnish European, 0.00059%; no homozygotes.

Submission:

Genetic Medico-Diagnostic Laboratory Genica
Classification: Likely pathogenic for Neurodevelopmental disorder with microcephaly, impaired language, and gait abnormalities. Last evaluated: 2022-03-31. Review status: criteria provided, single submitter. Criteria: ACMG Guidelines, 2015. Collection method: clinical testing. Allele origin: paternal. Inheritance: Autosomal recessive inheritance. Affected: yes. Observed: 1 compound heterozygote. Segregation with disease observed.
Comment: The variant is described as Likely Pathogenic according to the ACMG Guidelines, 2015.

NM_004539.4(NARS1):c.986G>A (p.Arg329Gln)

Gene: NARS1 (asparaginyl-tRNA synthetase 1; minus strand). Cytogenetic location: 18q21.31.
Variant type: single nucleotide variant.
Coding change: c.986G>A on transcript NM_004539.4 (MANE Select); coding-DNA position 986, G replaced by A.
Protein change: p.Arg329Gln; replaces arginine 329 with glutamine.
Molecular consequence: missense variant.
Genome position (GRCh38, 1-based): chr18:57,607,149, C>T on the plus strand (G>A on the coding strand, the complement: NARS1 is on the minus strand). VCF-style: chr18-57607149-C-T. GRCh37 (hg19) VCF-style: chr18-55274381-C-T.
Other names: short protein forms R329Q.
Identifiers: ClinVar variation 1526422 (VCV001526422.1), dbSNP rs976688001, ClinGen allele CA300856049.